The following is an entry in ClinVar:

ClinVar aggregate classification (germline): Pathogenic/Likely pathogenic. Review status: criteria provided, multiple submitters, no conflicts (2 of 4 stars). 2 submissions from 2 submitters: Pathogenic (1); Likely pathogenic (1). Last evaluated 2024-10-22.

Conditions:
EYS-related disorder. Also called: EYS-related condition.

Submissions (2):

Blueprint Genetics
Classification: Likely pathogenic for EYS-related disorders. Last evaluated: 2024-10-22. Review status: criteria provided, single submitter. Criteria: ACMG Guidelines, 2015. Collection method: clinical testing. Allele origin: germline. Affected: yes. Observed: 1 variant allele.

Labcorp Genetics (formerly Invitae), Labcorp
Classification: Pathogenic. Last evaluated: 2022-10-19. Review status: criteria provided, single submitter. Criteria: Invitae Variant Classification Sherloc (09022015). Collection method: clinical testing. Allele origin: germline.
Comment: This variant has not been reported in the literature in individuals affected with EYS-related conditions. For these reasons, this variant has been classified as Pathogenic. This sequence change creates a premature translational stop signal (p.Pro321Glnfs*18) in the EYS gene. It is expected to result in an absent or disrupted protein product. Loss-of-function variants in EYS are known to be pathogenic (PMID: 18836446, 20333770). This variant is not present in population databases (gnomAD no frequency).

Literature cited by the submitters: PubMed 18836446 (cited by Labcorp Genetics (formerly Invitae), Labcorp); PubMed 20333770 (cited by Labcorp Genetics (formerly Invitae), Labcorp).

NM_001142800.2(EYS):c.962del (p.Pro321fs)

Gene: EYS (EGF-like photoreceptor maintenance factor; minus strand). Cytogenetic location: 6q12.
Variant type: Deletion.
Coding change: c.962del on transcript NM_001142800.2 (MANE Select); coding-DNA position 962, one base deleted (C; older notation c.962delC).
Protein change: p.Pro321fs; shifts the reading frame from proline 321.
Molecular consequence: frameshift variant.
Genome position (GRCh38, 1-based): chr6:65,405,268, G deleted on the plus strand (C on the coding strand, the reverse complement: EYS is on the minus strand); the first of 3 consecutive G bases (chr6:65,405,268-65,405,270); deleting any one gives the same sequence. VCF-style (leftmost placement, unchanged base first): chr6-65405267-TG-T. GRCh37 (hg19) VCF-style: chr6-66115160-TG-T.
Other names: c.962del, p.Pro321fs (NM_001142801.2, NM_001292009.2, NM_198283.2); short protein forms P321fs.
Identifiers: ClinVar variation 2036122 (VCV002036122.5), dbSNP rs1766681441, ClinGen allele CA1089921967.